The following is an entry in ClinVar:

ClinVar aggregate classification (germline): Likely benign. Review status: criteria provided, multiple submitters, no conflicts (2 of 4 stars). 4 submissions from 4 submitters: Likely benign (3). 1 of the submissions does not count toward it. Last evaluated 2026-06-05.

Conditions:
GRIN2D-related disorder. Also called: GRIN2D-related condition.

Allele frequency attached by ClinVar (database versions not stated): gnomAD 0.00091 and 0.00105; TOPMed 0.00097; 1000 Genomes Project 0.00020; gnomAD exomes 0.00073; 1000 Genomes Project 30x 0.00047.
gnomAD v4.1: 203 of 1,184,806 alleles (0.017%); highest among the groups gnomAD compares: African/African-American, 0.3%; 2 homozygotes.

Submissions (4):

Women's Health and Genetics/Laboratory Corporation of America, LabCorp
Classification: Likely benign. Last evaluated: 2026-06-05. Review status: criteria provided, single submitter. Criteria: LabCorp Variant Classification Summary - May 2015. Collection method: clinical testing. Allele origin: germline.
Comment: Variant summary: GRIN2D c.2765C>T (p.Ala922Val) results in a non-conservative amino acid change in the encoded protein sequence. Algorithms developed to predict the effect of missense changes on protein structure and function are either unavailable or do not agree on the potential impact of this missense change. The variant allele was found at a frequency of 0.00098 in 29472 control chromosomes, predominantly at a frequency of 0.0032 within the African or African-American subpopulation in the gnomAD database. The observed variant frequency within African or African-American control individuals in the gnomAD database exceeds the estimated maximal expected allele frequency for disease-causing variants in GRIN2D. To our knowledge, no occurrence of c.2765C>T in individuals affected with GRIN2D-related conditions and no experimental evidence demonstrating its impact on protein function have been reported. ClinVar contains an entry for this variant (Variation ID: 445447). Based on the evidence outlined above, the variant was classified as likely benign.

Labcorp Genetics (formerly Invitae), Labcorp
Classification: Likely benign. Last evaluated: 2026-01-31. Review status: criteria provided, single submitter. Criteria: Invitae Variant Classification Sherloc (09022015). Collection method: clinical testing. Allele origin: germline.

Center for Pediatric Genomic Medicine, Children's Mercy Hospital and Clinics
Classification: Likely benign. Last evaluated: 2017-08-31. Review status: criteria provided, single submitter. Criteria: ACMG Guidelines, 2015. Collection method: clinical testing. Allele origin: germline.

PreventionGenetics, part of Exact Sciences
Classification: Likely benign for GRIN2D-related condition. Last evaluated: 2020-04-20. Review status: no assertion criteria provided. Collection method: clinical testing. Allele origin: germline. Not counted in ClinVar's aggregate classification.
Comment: This variant is classified as likely benign based on ACMG/AMP sequence variant interpretation guidelines (Richards et al. 2015 PMID: 25741868, with internal and published modifications).

NM_000836.4(GRIN2D):c.2765C>T (p.Ala922Val)

Gene: GRIN2D (glutamate ionotropic receptor NMDA type subunit 2D; plus strand). Cytogenetic location: 19q13.33.
Variant type: single nucleotide variant.
Coding change: c.2765C>T on transcript NM_000836.4 (MANE Select); coding-DNA position 2765, C replaced by T.
Protein change: p.Ala922Val; replaces alanine 922 with valine.
Molecular consequence: missense variant.
Genome position (GRCh38, 1-based): chr19:48,442,691, C>T. VCF-style: chr19-48442691-C-T. GRCh37 (hg19) VCF-style: chr19-48945948-C-T.
Other names: c.2765C>T (NM_000836.2); short protein forms A922V.
Identifiers: ClinVar variation 445447 (VCV000445447.14), dbSNP rs571334598, ClinGen allele CA309298861.
Genomic context (GRCh38, chr19:48,442,691, plus strand): 5'-CCCCACCGCCCGCCAAGCCCCCGCCGCCGCCACAGCCCCTGCCCAGCCCCGCGTACCCCG[C>T]GCCGCGGCCGGCTCCCGGGCCCGCACCTTTCGTGCCCCGCGAGCGCGCCTCAGTGGACCG-3'
Protein context (NP_000827.2, residues 912-932): PQPLPSPAYP[Ala922Val]PRPAPGPAPF